The following is an entry in ClinVar:

ClinVar aggregate classification (germline): Uncertain significance (1 of 4 stars; one submission).

Conditions:
Epidermolysis bullosa simplex 3, localized or generalized intermediate, with BP230 deficiency (EBS3). Also called: Epidermolysis bullosa simplex, autosomal recessive 2; Epidermolysis bullosa simplex due to BP230 deficiency. Identifiers: Orphanet 412181, MedGen C3809470, MONDO:0014180, OMIM 615425.
Hereditary sensory and autonomic neuropathy type 6. Also called: Neuropathy, hereditary sensory and autonomic, type VI; HSAN VI. Identifiers: Orphanet 314381, MedGen C3539003, MONDO:0013839, OMIM 614653.

Submission:

Labcorp Genetics (formerly Invitae), Labcorp
Classification: Uncertain significance for Epidermolysis bullosa simplex 3, localized or generalized intermediate, with BP230 deficiency; Hereditary sensory and autonomic neuropathy type 6. Last evaluated: 2019-09-17. Review status: criteria provided, single submitter. Criteria: Invitae Variant Classification Sherloc (09022015). Collection method: clinical testing. Allele origin: germline.
Comment: This sequence change affects codon 2104 of the DST mRNA. It is a 'silent' change, meaning that it does not change the encoded amino acid sequence of the DST protein. The DST gene has multiple clinically relevant transcripts. The c.6312A>G variant occurs in alternate transcript NM_015548.4, which corresponds to c.*54080A>G in NM_001723.5, the primary transcript listed in the Methods. This variant is not present in population databases (ExAC no frequency). This variant has not been reported in the literature in individuals with DST-related conditions. Algorithms developed to predict the effect of sequence changes on RNA splicing suggest that this variant may create or strengthen a splice site, but this prediction has not been confirmed by published transcriptional studies. In summary, the available evidence is currently insufficient to determine the role of this variant in disease. Therefore, it has been classified as a Variant of Uncertain Significance.

NM_001374736.1(DST):c.14181A>G (p.Gln4727=)

Genes: DST (dystonin; minus strand), LOC129389544 (MPRA-validated peak5860 silencer; plus strand). Cytogenetic location: 6p12.1.
Variant type: single nucleotide variant.
Coding change: c.14181A>G on transcript NM_001374736.1 (MANE Select); coding-DNA position 14181, A replaced by G.
Protein change: p.Gln4727=; no amino-acid change (glutamine 4727 retained).
Molecular consequence: synonymous variant.
Genome position (GRCh38, 1-based): chr6:56,561,437, T>C on the plus strand (A>G on the coding strand, the complement: DST is on the minus strand). VCF-style: chr6-56561437-T-C. GRCh37 (hg19) VCF-style: chr6-56426235-T-C.
Other names: c.7824A>G, p.Gln2608= (NM_001144769.5); c.7410A>G, p.Gln2470= (NM_001144770.2); c.14181A>G, p.Gln4727= (NM_001374722.1); c.13548A>G, p.Gln4516= (NM_001374729.1); c.7290A>G, p.Gln2430= (NM_001374730.1, NM_183380.4); c.14208A>G, p.Gln4736= (NM_001374734.1); c.6312A>G, p.Gln2104= (NM_015548.5).
Identifiers: ClinVar variation 970665 (VCV000970665.8), dbSNP rs2097534567, ClinGen allele CA450620234.